The following is an entry in ClinVar:

NM_005869.4(CWC27):c.812A>C (p.Glu271Ala)

Gene: CWC27 (CWC27 spliceosome associated cyclophilin; plus strand). Cytogenetic location: 5q12.3.
Variant type: single nucleotide variant.
Coding change: c.812A>C on transcript NM_005869.4 (MANE Select); coding-DNA position 812, A replaced by C.
Protein change: p.Glu271Ala; replaces glutamic acid 271 with alanine.
Molecular consequence: missense variant.
Genome position (GRCh38, 1-based): chr5:64,804,260, A>C. VCF-style: chr5-64804260-A-C. GRCh37 (hg19) VCF-style: chr5-64100087-A-C.
Other names: c.812A>C, p.Glu271Ala (NM_001297644.1, NM_001297645.2, NM_001318000.2 and 1 more transcripts); short protein forms E271A.
Identifiers: ClinVar variation 1358211 (VCV001358211.8), dbSNP rs2112214378, ClinGen allele CA359833275.

ClinVar aggregate classification (germline): Uncertain significance (1 of 4 stars; one submission).

Submission:

Labcorp Genetics (formerly Invitae), Labcorp
Classification: Uncertain significance. Last evaluated: 2021-09-22. Review status: criteria provided, single submitter. Criteria: Invitae Variant Classification Sherloc (09022015). Collection method: clinical testing. Allele origin: germline.
Comment: In summary, the available evidence is currently insufficient to determine the role of this variant in disease. Therefore, it has been classified as a Variant of Uncertain Significance. Algorithms developed to predict the effect of missense changes on protein structure and function (SIFT, PolyPhen-2, Align-GVGD) all suggest that this variant is likely to be tolerated, but these predictions have not been confirmed by published functional studies and their clinical significance is uncertain. This variant has not been reported in the literature in individuals with CWC27-related conditions. This variant is not present in population databases (ExAC no frequency). This sequence change replaces glutamic acid with alanine at codon 271 of the CWC27 protein (p.Glu271Ala). The glutamic acid residue is moderately conserved and there is a moderate physicochemical difference between glutamic acid and alanine.